The following is an entry in ClinVar:

NM_139276.3(STAT3):c.356C>T (p.Ala119Val)

Gene: STAT3 (signal transducer and activator of transcription 3; minus strand). Cytogenetic location: 17q21.2.
Variant type: single nucleotide variant.
Coding change: c.356C>T on transcript NM_139276.3 (MANE Select); coding-DNA position 356, C replaced by T.
Protein change: p.Ala119Val; replaces alanine 119 with valine.
Molecular consequence: missense variant.
Genome position (GRCh38, 1-based): chr17:42,345,575, G>A on the plus strand (C>T on the coding strand, the complement: STAT3 is on the minus strand). VCF-style: chr17-42345575-G-A. GRCh37 (hg19) VCF-style: chr17-40497593-G-A.
Other names: c.356C>T, p.Ala119Val (NM_001369512.1, NM_001369513.1, NM_001369514.1 and 16 more transcripts); c.278C>T, p.Ala93Val (NM_001384985.1); short protein forms A93V, A119V.
Identifiers: ClinVar variation 1487427 (VCV001487427.8), dbSNP rs2144978181, ClinGen allele CA399596412.

ClinVar aggregate classification (germline): Uncertain significance (1 of 4 stars; one submission).

Conditions:
STAT3 gain of function. Identifiers: MedGen C4288261.
Hyper-IgE recurrent infection syndrome 1, autosomal dominant. Also called: STAT3 Hyper IgE Syndrome; HYPER-IgE SYNDROME 1, AUTOSOMAL DOMINANT, WITH RECURRENT INFECTIONS; JOB SYNDROME; Job's Syndrome; Hyper-IgE recurrent infection syndrome 1. Identifiers: Orphanet 2314, MedGen C2936739, MONDO:0007818, OMIM 147060.

gnomAD v4.1: 1 of 1,606,008 alleles (0.000062%); highest among the groups gnomAD compares: East Asian, 0.0022%; no homozygotes.

Submission:

Labcorp Genetics (formerly Invitae), Labcorp
Classification: Uncertain significance for STAT3 gain of function; Hyper-IgE recurrent infection syndrome 1, autosomal dominant. Last evaluated: 2022-01-15. Review status: criteria provided, single submitter. Criteria: Invitae Variant Classification Sherloc (09022015). Collection method: clinical testing. Allele origin: germline.
Comment: In summary, the available evidence is currently insufficient to determine the role of this variant in disease. Therefore, it has been classified as a Variant of Uncertain Significance. Advanced modeling of protein sequence and biophysical properties (such as structural, functional, and spatial information, amino acid conservation, physicochemical variation, residue mobility, and thermodynamic stability) performed at Invitae indicates that this missense variant is expected to disrupt STAT3 protein function. This variant has not been reported in the literature in individuals affected with STAT3-related conditions. This variant is not present in population databases (gnomAD no frequency). This sequence change replaces alanine, which is neutral and non-polar, with valine, which is neutral and non-polar, at codon 119 of the STAT3 protein (p.Ala119Val).